The following is an entry in ClinVar:

NM_001283009.2(RTEL1):c.3900G>T (p.Gln1300His)

Genes: RTEL1 (regulator of telomere elongation helicase 1; plus strand), RTEL1-TNFRSF6B (RTEL1-TNFRSF6B readthrough (NMD candidate); plus strand). Cytogenetic location: 20q13.33.
Variant type: single nucleotide variant.
Coding change: c.3900G>T on transcript NM_001283009.2 (MANE Select); coding-DNA position 3900, G replaced by T.
Protein change: p.Gln1300His; replaces glutamine 1300 with histidine.
Molecular consequence: missense variant. On other transcripts: 3 prime UTR variant (3).
Genome position (GRCh38, 1-based): chr20:63,695,855, G>T. VCF-style: chr20-63695855-G-T. GRCh37 (hg19) VCF-style: chr20-62327208-G-T.
Other names: c.*70G>T (NM_001283010.1, NM_016434.4, NM_032957.5); short protein forms Q1300H.
Identifiers: ClinVar variation 838948 (VCV000838948.7), dbSNP rs374244090, ClinGen allele CA9966241.

ClinVar aggregate classification (germline): Uncertain significance. Review status: criteria provided, multiple submitters, no conflicts (2 of 4 stars). 2 submissions from 2 submitters: Uncertain significance (2). Last evaluated 2025-12-24.

Conditions:
Dyskeratosis congenita, autosomal recessive 5 (DKCB5). Identifiers: MedGen C3554656, MONDO:0014076, OMIM 615190.
Pulmonary fibrosis and/or bone marrow failure, Telomere-related, 3. Also called: PULMONARY FIBROSIS AND/OR BONE MARROW FAILURE SYNDROME, TELOMERE-RELATED, 3. Identifiers: Orphanet 2032, MedGen C4225346, MONDO:0014613, OMIM 616373.

Allele frequency attached by ClinVar (database versions not stated): gnomAD exomes 0.00005; ExAC 0.00010; 1000 Genomes Project 30x 0.00016; 1000 Genomes Project 0.00020; gnomAD 0.00025 and 0.00028; TOPMed 0.00034; ESP Exome Variant Server 0.00047.
gnomAD v4.1: 87 of 1,587,784 alleles (0.0055%); highest among the groups gnomAD compares: African/African-American, 0.083%; no homozygotes.

Submissions (2):

Labcorp Genetics (formerly Invitae), Labcorp
Classification: Uncertain significance for Dyskeratosis congenita, autosomal recessive 5; Pulmonary fibrosis and/or bone marrow failure, Telomere-related, 3. Last evaluated: 2025-12-24. Review status: criteria provided, single submitter. Criteria: Invitae Variant Classification Sherloc (09022015). Collection method: clinical testing. Allele origin: germline.
Comment: This sequence change replaces glutamine, which is neutral and polar, with histidine, which is basic and polar, at codon 1300 of the RTEL1 protein (p.Gln1300His). This variant is present in population databases (rs374244090, gnomAD 0.07%). This variant has not been reported in the literature in individuals affected with RTEL1-related conditions. This variant is also known as NM_032957.4:c.*70G>T. ClinVar contains an entry for this variant (Variation ID: 838948). An algorithm developed to predict the effect of missense changes on protein structure and function (PolyPhen-2) suggests that this variant is likely to be tolerated. Algorithms developed to predict the effect of sequence changes on RNA splicing suggest that this variant may disrupt the consensus splice site. In summary, the available evidence is currently insufficient to determine the role of this variant in disease. Therefore, it has been classified as a Variant of Uncertain Significance.

Blueprint Genetics
Classification: Uncertain significance. Last evaluated: 2022-06-28. Review status: criteria provided, single submitter. Criteria: ACMG Guidelines, 2015. Collection method: clinical testing. Allele origin: germline.